The following is an entry in ClinVar:

ClinVar aggregate classification (germline): Uncertain significance (1 of 4 stars; one submission).

gnomAD v4.1: 4 of 1,612,662 alleles (0.00025%); highest among the groups gnomAD compares: African/African-American, 0.0053%; no homozygotes.

Submission:

Labcorp Genetics (formerly Invitae), Labcorp
Classification: Uncertain significance. Last evaluated: 2024-05-16. Review status: criteria provided, single submitter. Criteria: Invitae Variant Classification Sherloc (09022015). Collection method: clinical testing. Allele origin: germline.
Comment: This sequence change replaces isoleucine, which is neutral and non-polar, with phenylalanine, which is neutral and non-polar, at codon 1352 of the CPLANE1 protein (p.Ile1352Phe). This variant is not present in population databases (gnomAD no frequency). This variant has not been reported in the literature in individuals affected with CPLANE1-related conditions. ClinVar contains an entry for this variant (Variation ID: 1419184). Advanced modeling of protein sequence and biophysical properties (such as structural, functional, and spatial information, amino acid conservation, physicochemical variation, residue mobility, and thermodynamic stability) performed at Invitae indicates that this missense variant is not expected to disrupt CPLANE1 protein function with a negative predictive value of 95%. In summary, the available evidence is currently insufficient to determine the role of this variant in disease. Therefore, it has been classified as a Variant of Uncertain Significance.

NM_001384732.1(CPLANE1):c.4054A>T (p.Ile1352Phe)

Gene: CPLANE1 (ciliogenesis and planar polarity effector complex subunit 1; minus strand). Cytogenetic location: 5p13.2.
Variant type: single nucleotide variant.
Coding change: c.4054A>T on transcript NM_001384732.1 (MANE Select); coding-DNA position 4054, A replaced by T.
Protein change: p.Ile1352Phe; replaces isoleucine 1352 with phenylalanine.
Molecular consequence: missense variant.
Genome position (GRCh38, 1-based): chr5:37,187,440, T>A on the plus strand (A>T on the coding strand, the complement: CPLANE1 is on the minus strand). VCF-style: chr5-37187440-T-A. GRCh37 (hg19) VCF-style: chr5-37187542-T-A.
Other names: c.4054A>T, p.Ile1352Phe (NM_023073.4); short protein forms I1352F.
Identifiers: ClinVar variation 1419184 (VCV001419184.6), dbSNP rs146808769, ClinGen allele CA359505080.